The following is an entry in ClinVar:

ClinVar aggregate classification (germline): Conflicting classifications of pathogenicity. Review status: criteria provided, conflicting classifications (1 of 4 stars). 5 submissions from 5 submitters: Uncertain significance (3); Likely benign (2). Last evaluated 2026-04-19.

Conditions:
MYH14-related disorder. Also called: MYH14-related condition.

Allele frequency attached by ClinVar (database versions not stated): ESP Exome Variant Server 0.00015; ExAC 0.00025; TOPMed 0.00026; gnomAD 0.00029; 1000 Genomes Project 30x 0.00094; 1000 Genomes Project 0.00100.
gnomAD v4.1: 117 of 1,587,972 alleles (0.0074%); highest among the groups gnomAD compares: East Asian, 0.094%; no homozygotes.

Submissions (5):

PreventionGenetics, part of Exact Sciences
Classification: Likely benign for MYH14-related condition. Last evaluated: 2026-04-19. Review status: criteria provided, single submitter. Criteria: ACMG Guidelines, 2015. Collection method: clinical testing. Allele origin: germline.
Comment: This variant is classified as likely benign based on ACMG/AMP sequence variant interpretation guidelines (Richards et al. 2015 PMID: 25741868, with internal and published modifications).

Mayo Clinic Laboratories, Mayo Clinic
Classification: Uncertain significance. Last evaluated: 2025-10-21. Review status: criteria provided, single submitter. Criteria: ACMG Guidelines, 2015. Collection method: clinical testing. Allele origin: germline. Observed: 1 variant allele.
Comment: BS1

Labcorp Genetics (formerly Invitae), Labcorp
Classification: Likely benign. Last evaluated: 2025-05-19. Review status: criteria provided, single submitter. Criteria: Invitae Variant Classification Sherloc (09022015). Collection method: clinical testing. Allele origin: germline.

GeneDx
Classification: Uncertain significance. Last evaluated: 2020-02-19. Review status: criteria provided, single submitter. Criteria: GeneDx Variant Classification Process June 2021. Collection method: clinical testing. Allele origin: germline. Affected: yes.
Comment: In silico analysis, which includes protein predictors and evolutionary conservation, supports a deleterious effect; Has not been previously published as pathogenic or benign to our knowledge

Eurofins Ntd Llc (ga)
Classification: Uncertain significance. Last evaluated: 2017-02-21. Review status: criteria provided, single submitter. Criteria: EGL Classification Definitions 2015. Collection method: clinical testing. Allele origin: germline. Observed: 1 variant allele, 1 heterozygote.

Literature cited by the submitters: PubMed 37550746 (cited by Mayo Clinic Laboratories, Mayo Clinic).

NM_001145809.2(MYH14):c.5452C>T (p.Arg1818Cys)

Gene: MYH14 (myosin heavy chain 14; plus strand). Cytogenetic location: 19q13.33.
Variant type: single nucleotide variant.
Coding change: c.5452C>T on transcript NM_001145809.2 (MANE Select); coding-DNA position 5452, C replaced by T.
Protein change: p.Arg1818Cys; replaces arginine 1818 with cysteine.
Molecular consequence: missense variant.
Genome position (GRCh38, 1-based): chr19:50,293,670, C>T. VCF-style: chr19-50293670-C-T. GRCh37 (hg19) VCF-style: chr19-50796927-C-T.
Other names: p.Arg1777Cys; c.5353C>T, p.Arg1785Cys (NM_001077186.2); c.5329C>T, p.Arg1777Cys (NM_024729.4); c.5452C>T (NM_001145809.1); short protein forms R1777C, R1818C, R1785C.
Identifiers: ClinVar variation 500296 (VCV000500296.15), dbSNP rs377096949, ClinGen allele CA9593800.